The following is an entry in ClinVar:

NM_001035.3(RYR2):c.13740G>T (p.Thr4580=)

Gene: RYR2 (ryanodine receptor 2; plus strand). Cytogenetic location: 1q43.
Variant type: single nucleotide variant.
Coding change: c.13740G>T on transcript NM_001035.3 (MANE Select); coding-DNA position 13740, G replaced by T.
Protein change: p.Thr4580=; no amino-acid change (threonine 4580 retained).
Molecular consequence: synonymous variant.
Genome position (GRCh38, 1-based): chr1:237,792,281, G>T. VCF-style: chr1-237792281-G-T. GRCh37 (hg19) VCF-style: chr1-237955581-G-T.
Identifiers: ClinVar variation 672232 (VCV000672232.12), dbSNP rs115854664, ClinGen allele CA423827476.
Genomic context (GRCh38, chr1:237,792,281, plus strand): 5'-ACTAGAGGAGAGCAGCGGCTACATGGAGCCCACGTTGCGTATCTTAGCTATTCTGCACAC[G>T]GTCATTTCTTTCTTCTGCATCATTGGATACTACTGCTTGAAAGTAAGATAGTAAGGCACC-3'
Protein context (NP_001026.2, residues 4570-4590): PTLRILAILH[Thr4580=]VISFFCIIGY

ClinVar aggregate classification (germline): Likely benign. Review status: criteria provided, multiple submitters, no conflicts (2 of 4 stars). 3 submissions from 3 submitters: Likely benign (3). Last evaluated 2025-04-17.

Conditions:
Cardiovascular phenotype. Identifiers: MedGen CN230736.
Catecholaminergic polymorphic ventricular tachycardia 1. Also called: VENTRICULAR TACHYCARDIA, CATECHOLAMINERGIC POLYMORPHIC, 1, WITH OR WITHOUT ATRIAL DYSFUNCTION AND/OR DILATED CARDIOMYOPATHY; RYR2-Related Catecholaminergic Polymorphic Ventricular Tachycardia; VENTRICULAR TACHYCARDIA, STRESS-INDUCED POLYMORPHIC 1. Identifiers: Orphanet 3286, MedGen C1631597, MONDO:0011484, OMIM 604772.

gnomAD v4.1: 2 of 1,612,242 alleles (0.00012%); highest among the groups gnomAD compares: Admixed American, 0.0033%; no homozygotes.

Submissions (3):

Labcorp Genetics (formerly Invitae), Labcorp
Classification: Likely benign for Catecholaminergic polymorphic ventricular tachycardia 1. Last evaluated: 2025-04-17. Review status: criteria provided, single submitter. Criteria: Invitae Variant Classification Sherloc (09022015). Collection method: clinical testing. Allele origin: germline.

Ambry Genetics
Classification: Likely benign for Cardiovascular phenotype. Last evaluated: 2021-04-08. Review status: criteria provided, single submitter. Criteria: Ambry Variant Classification Scheme 2023. Collection method: clinical testing. Allele origin: germline.

GeneDx
Classification: Likely benign. Last evaluated: 2018-06-18. Review status: criteria provided, single submitter. Criteria: GeneDx Variant Classification (06012015). Collection method: clinical testing. Allele origin: germline. Affected: yes.
Comment: This variant is considered likely benign or benign based on one or more of the following criteria: it is a conservative change, it occurs at a poorly conserved position in the protein, it is predicted to be benign by multiple in silico algorithms, and/or has population frequency not consistent with disease.